The following is an entry in ClinVar:

NM_001128148.3(TFRC):c.334C>T (p.Pro112Ser)

Gene: TFRC (transferrin receptor; minus strand). Cytogenetic location: 3q29.
Variant type: single nucleotide variant.
Coding change: c.334C>T on transcript NM_001128148.3 (MANE Select); coding-DNA position 334, C replaced by T.
Protein change: p.Pro112Ser; replaces proline 112 with serine.
Molecular consequence: missense variant. On other transcripts: intron variant (1).
Genome position (GRCh38, 1-based): chr3:196,074,030, G>A on the plus strand (C>T on the coding strand, the complement: TFRC is on the minus strand). VCF-style: chr3-196074030-G-A. GRCh37 (hg19) VCF-style: chr3-195800901-G-A.
Other names: c.91C>T, p.Pro31Ser (NM_001313965.2); c.334C>T, p.Pro112Ser (NM_003234.4); c.-412-1878C>T (NM_001313966.2); short protein forms P112S, P31S.
Identifiers: ClinVar variation 2818572 (VCV002818572.3), dbSNP rs1055233025, ClinGen allele CA90760737.
Genomic context (GRCh38, chr3:196,074,030, plus strand): 5'-ACAACTTTCTCTTCAGGTCATCCCAATATAAGCGACGTGCTGCAGGGAAGTCCTCTCCTG[G>A]CTCCTCCCTCACTGGAGACTCGGTTCCTGCCAGTCTCTCACACTCAGTTTTTGGTTCTAC-3'
Protein context (NP_001121620.1, residues 102-122): AGTESPVREE[Pro112Ser]GEDFPAARRL

ClinVar aggregate classification (germline): Uncertain significance (1 of 4 stars; one submission).

Submission:

Labcorp Genetics (formerly Invitae), Labcorp
Classification: Uncertain significance. Last evaluated: 2023-05-14. Review status: criteria provided, single submitter. Criteria: Invitae Variant Classification Sherloc (09022015). Collection method: clinical testing. Allele origin: germline.
Comment: This sequence change replaces proline, which is neutral and non-polar, with serine, which is neutral and polar, at codon 112 of the TFRC protein (p.Pro112Ser). This variant is not present in population databases (gnomAD no frequency). Algorithms developed to predict the effect of missense changes on protein structure and function output the following: SIFT: "Not Available"; PolyPhen-2: "Benign"; Align-GVGD: "Not Available". The serine amino acid residue is found in multiple mammalian species, which suggests that this missense change does not adversely affect protein function. This variant has not been reported in the literature in individuals affected with TFRC-related conditions. In summary, the available evidence is currently insufficient to determine the role of this variant in disease. Therefore, it has been classified as a Variant of Uncertain Significance.